The following is an entry in ClinVar:

NM_000064.4(C3):c.4768T>G (p.Cys1590Gly)

Gene: C3 (complement C3; minus strand). Cytogenetic location: 19p13.3.
Variant type: single nucleotide variant.
Coding change: c.4768T>G on transcript NM_000064.4 (MANE Select); coding-DNA position 4768, T replaced by G.
Protein change: p.Cys1590Gly; replaces cysteine 1590 with glycine.
Molecular consequence: missense variant.
Genome position (GRCh38, 1-based): chr19:6,678,234, A>C on the plus strand (T>G on the coding strand, the complement: C3 is on the minus strand). VCF-style: chr19-6678234-A-C. GRCh37 (hg19) VCF-style: chr19-6678245-A-C.
Other names: short protein forms C1590G.
Identifiers: ClinVar variation 4744340 (VCV004744340.1).

ClinVar aggregate classification (germline): Uncertain significance (1 of 4 stars; one submission).

Submission:

Labcorp Genetics (formerly Invitae), Labcorp
Classification: Uncertain significance. Last evaluated: 2025-03-12. Review status: criteria provided, single submitter. Criteria: Invitae Variant Classification Sherloc (09022015). Collection method: clinical testing. Allele origin: germline.
Comment: This sequence change replaces cysteine, which is neutral and slightly polar, with glycine, which is neutral and non-polar, at codon 1590 of the C3 protein (p.Cys1590Gly). This variant is not present in population databases (gnomAD no frequency). This variant has not been reported in the literature in individuals affected with C3-related conditions. Invitae Evidence Modeling of protein sequence and biophysical properties (such as structural, functional, and spatial information, amino acid conservation, physicochemical variation, residue mobility, and thermodynamic stability) indicates that this missense variant is expected to disrupt C3 protein function with a positive predictive value of 80%. In summary, the available evidence is currently insufficient to determine the role of this variant in disease. Therefore, it has been classified as a Variant of Uncertain Significance.